The following is an entry in ClinVar:

ClinVar aggregate classification (germline): Uncertain significance. Review status: criteria provided, multiple submitters, no conflicts (2 of 4 stars). 3 submissions from 3 submitters: Uncertain significance (3). Last evaluated 2025-10-23.

Conditions:
Cardiovascular phenotype. Identifiers: MedGen CN230736.
Dilated cardiomyopathy 1JJ (CMD1JJ). Identifiers: Orphanet 154, MedGen C3808935, MONDO:0014095, OMIM 615235.

Allele frequency attached by ClinVar (database versions not stated): gnomAD exomes 0.00001 and 0.00002; ExAC 0.00002; gnomAD 0.00002; TOPMed 0.00002.
gnomAD v4.1: 13 of 1,613,786 alleles (0.00081%); highest among the groups gnomAD compares: Non-Finnish European, 0.00093%; no homozygotes.

Submissions (3):

Ambry Genetics
Classification: Uncertain significance for Cardiovascular phenotype. Last evaluated: 2025-10-23. Review status: criteria provided, single submitter. Criteria: Ambry Variant Classification Scheme 2023. Collection method: clinical testing. Allele origin: germline.
Comment: The p.N1086D variant (also known as c.3256A>G), located in coding exon 23 of the LAMA4 gene, results from an A to G substitution at nucleotide position 3256. The asparagine at codon 1086 is replaced by aspartic acid, an amino acid with highly similar properties. This amino acid position is conserved. In addition, this alteration is predicted to be tolerated by in silico analysis. Since supporting evidence is limited at this time, the clinical significance of this alteration remains unclear.

Fulgent Genetics
Classification: Uncertain significance for Dilated cardiomyopathy 1JJ. Last evaluated: 2021-08-19. Review status: criteria provided, single submitter. Criteria: ACMG Guidelines, 2015. Collection method: clinical testing. Allele origin: unknown.

Labcorp Genetics (formerly Invitae), Labcorp
Classification: Uncertain significance for Dilated cardiomyopathy 1JJ. Last evaluated: 2021-02-03. Review status: criteria provided, single submitter. Criteria: Invitae Variant Classification Sherloc (09022015). Collection method: clinical testing. Allele origin: germline.
Comment: Algorithms developed to predict the effect of missense changes on protein structure and function are either unavailable or do not agree on the potential impact of this missense change (SIFT: "Deleterious"; PolyPhen-2: "Probably Damaging"; Align-GVGD: "Class C15"). In summary, the available evidence is currently insufficient to determine the role of this variant in disease. Therefore, it has been classified as a Variant of Uncertain Significance. This variant has not been reported in the literature in individuals with LAMA4-related conditions. This variant is present in population databases (rs782550866, ExAC 0.02%). This sequence change replaces asparagine with aspartic acid at codon 1086 of the LAMA4 protein (p.Asn1086Asp). The asparagine residue is highly conserved and there is a small physicochemical difference between asparagine and aspartic acid.

NM_001105206.3(LAMA4):c.3277A>G (p.Asn1093Asp)

Gene: LAMA4 (laminin subunit alpha 4; minus strand). Cytogenetic location: 6q21.
Variant type: single nucleotide variant.
Coding change: c.3277A>G on transcript NM_001105206.3 (MANE Select); coding-DNA position 3277, A replaced by G.
Protein change: p.Asn1093Asp; replaces asparagine 1093 with aspartic acid.
Molecular consequence: missense variant.
Genome position (GRCh38, 1-based): chr6:112,139,125, T>C on the plus strand (A>G on the coding strand, the complement: LAMA4 is on the minus strand). VCF-style: chr6-112139125-T-C. GRCh37 (hg19) VCF-style: chr6-112460327-T-C.
Other names: c.3256A>G, p.Asn1086Asp (NM_001105207.3, NM_002290.5); short protein forms N1093D, N1086D.
Identifiers: ClinVar variation 1376198 (VCV001376198.12), dbSNP rs782550866, ClinGen allele CA3965270.
Genomic context (GRCh38, chr6:112,139,125, plus strand): 5'-TAGCAGAAAGTAAAGGAAATAAAGGAGAAGTAGTAGGACTTGTATTTTTACTCACTCCAT[T>C]GACCATCAGGAGAATAAGGCCGTTGTCAGCTGGTGTTCGAACTTCTATGTCAAAGCGAGT-3'
Protein context (NP_001098676.2, residues 1083-1103): ADNGLILLMV[Asn1093Asp]GSMFFRLEMR